The following is an entry in ClinVar:

NM_002470.4(MYH3):c.5372_5373insCCGTCTGGT (p.Val1791_Lys1792insArgLeuVal)

Gene: MYH3 (myosin heavy chain 3; minus strand). Cytogenetic location: 17p13.1.
Variant type: Insertion.
Coding change: c.5372_5373insCCGTCTGGT on transcript NM_002470.4 (MANE Select); coding-DNA positions 5372 to 5373, CCGTCTGGT inserted.
Protein change: p.Val1791_Lys1792insArgLeuVal.
Molecular consequence: inframe insertion.
Genome position: GRCh38 VCF-style: chr17-10630372-C-CACCAGACGG. GRCh37 (hg19) VCF-style: chr17-10533689-C-CACCAGACGG.
Identifiers: ClinVar variation 2839554 (VCV002839554.3), dbSNP rs2508562546, ClinGen allele CA2739267138.

ClinVar aggregate classification (germline): Uncertain significance (1 of 4 stars; one submission).

Submission:

Labcorp Genetics (formerly Invitae), Labcorp
Classification: Uncertain significance. Last evaluated: 2025-10-27. Review status: criteria provided, single submitter. Criteria: Invitae Variant Classification Sherloc (09022015). Collection method: clinical testing. Allele origin: germline.
Comment: This variant, c.5372_5373insCCGTCTGGT, results in the insertion of 3 amino acid(s) of the MYH3 protein (p.Val1791_Lys1792insArgLeuVal), but otherwise preserves the integrity of the reading frame. This variant is not present in population databases (gnomAD no frequency). This variant has not been reported in the literature in individuals affected with MYH3-related conditions. ClinVar contains an entry for this variant (Variation ID: 2839554). Experimental studies and prediction algorithms are not available or were not evaluated, and the functional significance of this variant is currently unknown. In summary, the available evidence is currently insufficient to determine the role of this variant in disease. Therefore, it has been classified as a Variant of Uncertain Significance.